The following is an entry in ClinVar:

NM_001005242.3(PKP2):c.1674+331G>A

Gene: PKP2 (plakophilin 2; minus strand). Cytogenetic location: 12p11.21.
Variant type: single nucleotide variant.
Coding change: c.1674+331G>A on transcript NM_001005242.3 (MANE Select); 331 bases into the intron after coding-DNA position 1674, G replaced by A.
Molecular consequence: intron variant.
Genome position (GRCh38, 1-based): chr12:32,823,714, C>T on the plus strand (G>A on the coding strand, the complement: PKP2 is on the minus strand). VCF-style: chr12-32823714-C-T. GRCh37 (hg19) VCF-style: chr12-32976648-C-T.
Other names: c.1806+331G>A (NM_004572.4).
Identifiers: ClinVar variation 683685 (VCV000683685.1), dbSNP rs111744961, ClinGen allele CA235239491.

ClinVar aggregate classification (germline): Benign (1 of 4 stars; one submission).

Allele frequency attached by ClinVar (database versions not stated): gnomAD 0.06325 and 0.06763; 1000 Genomes Project 0.06450; TOPMed 0.07045; 1000 Genomes Project 30x 0.07167.
gnomAD v4.1: 9,486 of 151,786 alleles (6.2%); highest among the groups gnomAD compares: African/African-American, 22%; 997 homozygotes.

Submission:

GeneDx
Classification: Benign. Last evaluated: 2018-06-18. Review status: criteria provided, single submitter. Criteria: GeneDx Variant Classification (06012015). Collection method: clinical testing. Allele origin: germline. Affected: yes.
Comment: This variant is considered likely benign or benign based on one or more of the following criteria: it is a conservative change, it occurs at a poorly conserved position in the protein, it is predicted to be benign by multiple in silico algorithms, and/or has population frequency not consistent with disease.